The following is an entry in ClinVar:

ClinVar aggregate classification (germline): Uncertain significance (1 of 4 stars; one submission).

Conditions:
Ataxia-telangiectasia syndrome (AT). Also called: Ataxia-telangiectasia; LOUIS-BAR SYNDROME; Ataxia-telangiectasia, complementation group D; AT, COMPLEMENTATION GROUP C; ATAXIA-TELANGIECTASIA, COMPLEMENTATION GROUP A; ATAXIA-TELANGIECTASIA, FRESNO VARIANT. Identifiers: Orphanet 100, MedGen C0004135, MONDO:0008840, OMIM 208900.

Submission:

Labcorp Genetics (formerly Invitae), Labcorp
Classification: Uncertain significance for Ataxia-telangiectasia syndrome. Last evaluated: 2020-11-05. Review status: criteria provided, single submitter. Criteria: Invitae Variant Classification Sherloc (09022015). Collection method: clinical testing. Allele origin: germline.
Comment: This variant is not present in population databases (ExAC no frequency). In summary, the available evidence is currently insufficient to determine the role of this variant in disease. Therefore, it has been classified as a Variant of Uncertain Significance. Algorithms developed to predict the effect of sequence changes on RNA splicing suggest that this variant may create or strengthen a splice site, but this prediction has not been confirmed by published transcriptional studies. Advanced modeling of protein sequence and biophysical properties (such as structural, functional, and spatial information, amino acid conservation, physicochemical variation, residue mobility, and thermodynamic stability) performed at Invitae indicates that this missense variant is not expected to disrupt ATM protein function. This variant has not been reported in the literature in individuals with ATM-related conditions. This sequence change replaces lysine with threonine at codon 2082 of the ATM protein (p.Lys2082Thr). The lysine residue is moderately conserved and there is a moderate physicochemical difference between lysine and threonine.

NM_000051.4(ATM):c.6245A>C (p.Lys2082Thr)

Genes: ATM (ATM serine/threonine kinase; plus strand), C11orf65 (chromosome 11 open reading frame 65; minus strand). Cytogenetic location: 11q22.3.
Variant type: single nucleotide variant.
Coding change: c.6245A>C on transcript NM_000051.4 (MANE Select); coding-DNA position 6245, A replaced by C.
Protein change: p.Lys2082Thr; replaces lysine 2082 with threonine.
Molecular consequence: missense variant. On other transcripts: intron variant (2).
Genome position (GRCh38, 1-based): chr11:108,317,419, A>C. VCF-style: chr11-108317419-A-C. GRCh37 (hg19) VCF-style: chr11-108188146-A-C.
Other names: c.641-8348T>G (NM_001330368.2); c.*39-8348T>G (NM_001351110.2); c.6245A>C, p.Lys2082Thr (NM_001351834.2); short protein forms K2082T.
Identifiers: ClinVar variation 1387043 (VCV001387043.8), dbSNP rs2136164813, ClinGen allele CA382551796.
Genomic context (GRCh38, chr11:108,317,419, plus strand): 5'-TAACTCCTGTTTAGGCCTTGCAGAATTTGGGACTCTGCCATATTCTTTCCGTCTATTTAA[A>C]AGGATTGGATTATGAAAATAAAGACTGGTGTCCTGAACTAGAAGAACTTCATTACCAAGC-3'
Protein context (NP_000042.3, residues 2072-2092): GLCHILSVYL[Lys2082Thr]GLDYENKDWC